The following is an entry in ClinVar:

ClinVar aggregate classification (germline): Uncertain significance (1 of 4 stars; one submission).

Allele frequency attached by ClinVar (database versions not stated): gnomAD exomes below 0.00001; ExAC 0.00001; gnomAD 0.00001; TOPMed 0.00002; 1000 Genomes Project 30x 0.00016; 1000 Genomes Project 0.00020.
gnomAD v4.1: 10 of 1,614,172 alleles (0.00062%); highest among the groups gnomAD compares: Admixed American, 0.015%; no homozygotes.

Submission:

Laboratorio de Genetica e Diagnostico Molecular, Hospital Israelita Albert Einstein
Classification: Uncertain significance. Last evaluated: 2021-11-25. Review status: criteria provided, single submitter. Criteria: ACMG Guidelines, 2015. Collection method: clinical testing. Allele origin: germline. Affected: yes.
Comment: ACMG classification criteria: PM2

NM_006593.4(TBR1):c.404C>A (p.Pro135His)

Gene: TBR1 (T-box brain transcription factor 1; plus strand). Cytogenetic location: 2q24.2.
Variant type: single nucleotide variant.
Coding change: c.404C>A on transcript NM_006593.4 (MANE Select); coding-DNA position 404, C replaced by A.
Protein change: p.Pro135His; replaces proline 135 with histidine.
Molecular consequence: missense variant.
Genome position (GRCh38, 1-based): chr2:161,416,814, C>A. VCF-style: chr2-161416814-C-A. GRCh37 (hg19) VCF-style: chr2-162273325-C-A.
Other names: short protein forms P135H.
Identifiers: ClinVar variation 1690500 (VCV001690500.2), dbSNP rs199700587, ClinGen allele CA1930763.
Genomic context (GRCh38, chr2:161,416,814, plus strand): 5'-CTGCGGCCACTGCTCCCAGTGCCATGTTCCCGTACCCCGGCCAGCACGGACCGGCGCACC[C>A]CGCCTTCTCCATCGGCAGCCCTAGCCGCTACATGGCCCACCACCCGGTCATCACCAACGG-3'
Protein context (NP_006584.1, residues 125-145): PYPGQHGPAH[Pro135His]AFSIGSPSRY